The following is an entry in ClinVar:

ClinVar aggregate classification (germline): Pathogenic. Review status: criteria provided, multiple submitters, no conflicts (2 of 4 stars). 2 submissions from 2 submitters: Pathogenic (2). Last evaluated 2026-01-24.

Conditions:
Joubert syndrome. Also called: CEREBELLOPARENCHYMAL DISORDER IV; JOUBERT-BOLTSHAUSER SYNDROME; Familial aplasia of the vermis. Identifiers: Orphanet 475, MedGen C5979921, MONDO:0018772.
Meckel-Gruber syndrome. Also called: DYSENCEPHALIA SPLANCHNOCYSTICA; GRUBER SYNDROME; Dysencephalia splachnocystica. Identifiers: Orphanet 564, MedGen C0265215, MONDO:0018921.

gnomAD v4.1: 3 of 1,613,386 alleles (0.00019%); highest among the groups gnomAD compares: South Asian, 0.0033%; no homozygotes.

Submissions (2):

Labcorp Genetics (formerly Invitae), Labcorp
Classification: Pathogenic for Joubert syndrome; Meckel-Gruber syndrome. Last evaluated: 2026-01-24. Review status: criteria provided, single submitter. Criteria: Invitae Variant Classification Sherloc (09022015). Collection method: clinical testing. Allele origin: germline.
Comment: This sequence change affects an acceptor splice site in intron 3 of the RPGRIP1L gene. It is expected to disrupt RNA splicing. Variants that disrupt the donor or acceptor splice site typically lead to a loss of protein function (PMID: 16199547), and loss-of-function variants in RPGRIP1L are known to be pathogenic (PMID: 17558409). This variant is present in population databases (rs769036874, gnomAD 0.006%). Disruption of this splice site has been observed in individual(s) with Joubert syndrome (PMID: 27434533). In at least one individual the data is consistent with being in trans (on the opposite chromosome) from a pathogenic variant. ClinVar contains an entry for this variant (Variation ID: 4060868). Algorithms developed to predict the effect of sequence changes on RNA splicing suggest that this variant may disrupt the consensus splice site. For these reasons, this variant has been classified as Pathogenic.

Natera, Inc.
Classification: Pathogenic for Joubert syndrome. Last evaluated: 2025-02-13. Review status: criteria provided, single submitter. Criteria: Natera Variant Classification Schema (03/2026). Collection method: clinical testing. Allele origin: germline.
Comment: The c.231-1G>T variant in RPGRIP1L is a canonical splice acceptor site variant predicted to affect pre-mRNA splicing, which may result in an abnormal transcript and altered protein product. This variant is expected to result in nonsense mediated decay, truncation, or a dysfunctional protein product. This variant is rare in the general population with a frequency below the threshold expected for the associated phenotype(s). Another variant at this same site results in an alteration predicted to cause a similar molecular effect has been observed in individual(s) with the associated phenotype. Given the available evidence, this variant is classified as Pathogenic.

Literature cited by the submitters: PubMed 16199547 (cited by Labcorp Genetics (formerly Invitae), Labcorp); PubMed 17558409 (cited by Labcorp Genetics (formerly Invitae), Labcorp); PubMed 27434533 (cited by Labcorp Genetics (formerly Invitae), Labcorp).

NM_015272.5(RPGRIP1L):c.231-1G>T

Gene: RPGRIP1L (RPGRIP1 like; minus strand). Cytogenetic location: 16q12.2.
Variant type: single nucleotide variant.
Coding change: c.231-1G>T on transcript NM_015272.5 (MANE Select); the canonical splice acceptor site of the intron before coding-DNA position 231, G replaced by T.
Molecular consequence: splice acceptor variant.
Genome position (GRCh38, 1-based): chr16:53,692,365, C>A on the plus strand (G>T on the coding strand, the complement: RPGRIP1L is on the minus strand). VCF-style: chr16-53692365-C-A. GRCh37 (hg19) VCF-style: chr16-53726277-C-A.
Other names: c.231-1G>T (NM_001127897.4, NM_001330538.2, NM_001308334.3).
Identifiers: ClinVar variation 4060868 (VCV004060868.3).